The following is an entry in ClinVar:

ClinVar aggregate classification (germline): Uncertain significance (1 of 4 stars; one submission).

Conditions:
Susceptibility to respiratory infections associated with CD8alpha chain mutation (IMD116). Also called: IMMUNODEFICIENCY 116; Cd8 deficiency, familial. Identifiers: Orphanet 169085, MedGen C1837065, MONDO:0012161, OMIM 608957.

Submission:

Labcorp Genetics (formerly Invitae), Labcorp
Classification: Uncertain significance for Cd8 deficiency, familial. Last evaluated: 2019-09-30. Review status: criteria provided, single submitter. Criteria: Invitae Variant Classification Sherloc (09022015). Collection method: clinical testing. Allele origin: germline.
Comment: This variant results in a copy number gain of the genomic region encompassing the full coding sequence of the CD8A gene. The boundaries of this event are unknown as they extend beyond the assayed region for this gene and therefore may encompass additional genes. As the precise location of this event is unknown, it may be in tandem or it may be located elsewhere in the genome. This variant has not been reported in the literature in individuals with CD8A-related conditions. In summary, the available evidence is currently insufficient to determine the role of this variant in disease. Therefore, it has been classified as a Variant of Uncertain Significance.

NC_000002.12:g.(?_86785900)_(86790845_?)dup

Gene: CD8A (CD8 subunit alpha; minus strand). Cytogenetic location: 2p11.2.
Variant type: Duplication.
Identifiers: ClinVar variation 833270 (VCV000833270.1).